The following is an entry in ClinVar:

NM_001376.5(DYNC1H1):c.11345G>A (p.Arg3782Lys)

Gene: DYNC1H1 (dynein cytoplasmic 1 heavy chain 1; plus strand). Cytogenetic location: 14q32.31.
Variant type: single nucleotide variant.
Coding change: c.11345G>A on transcript NM_001376.5 (MANE Select); coding-DNA position 11345, G replaced by A.
Protein change: p.Arg3782Lys; replaces arginine 3782 with lysine.
Molecular consequence: missense variant.
Genome position (GRCh38, 1-based): chr14:102,039,139, G>A. VCF-style: chr14-102039139-G-A. GRCh37 (hg19) VCF-style: chr14-102505476-G-A.
Other names: short protein forms R3782K.
Identifiers: ClinVar variation 2768929 (VCV002768929.3), dbSNP rs2503844613, ClinGen allele CA391033506.

ClinVar aggregate classification (germline): Uncertain significance (1 of 4 stars; one submission).

Conditions:
Charcot-Marie-Tooth disease axonal type 2O. Also called: Charcot-Marie-Tooth disease, axonal, type 20; CHARCOT-MARIE-TOOTH NEUROPATHY, AXONAL, TYPE 2O; CHARCOT-MARIE-TOOTH DISEASE, AXONAL, AUTOSOMAL DOMINANT, TYPE 2O; Charcot-Marie-Tooth Neuropathy Type 2O. Identifiers: Orphanet 284232, MedGen C3280220, MONDO:0013644, OMIM 614228.

Submission:

Labcorp Genetics (formerly Invitae), Labcorp
Classification: Uncertain significance for Charcot-Marie-Tooth disease axonal type 2O. Last evaluated: 2023-10-16. Review status: criteria provided, single submitter. Criteria: Invitae Variant Classification Sherloc (09022015). Collection method: clinical testing. Allele origin: germline.
Comment: This sequence change replaces arginine, which is basic and polar, with lysine, which is basic and polar, at codon 3782 of the DYNC1H1 protein (p.Arg3782Lys). This variant is not present in population databases (gnomAD no frequency). This variant has not been reported in the literature in individuals affected with DYNC1H1-related conditions. Advanced modeling of protein sequence and biophysical properties (such as structural, functional, and spatial information, amino acid conservation, physicochemical variation, residue mobility, and thermodynamic stability) performed at Invitae indicates that this missense variant is not expected to disrupt DYNC1H1 protein function. In summary, the available evidence is currently insufficient to determine the role of this variant in disease. Therefore, it has been classified as a Variant of Uncertain Significance.